The following is an entry in ClinVar:

ClinVar aggregate classification (germline): Likely pathogenic (1 of 4 stars; one submission).

Submission:

GeneDx
Classification: Likely pathogenic. Last evaluated: 2025-01-27. Review status: criteria provided, single submitter. Criteria: GeneDx Variant Classification Process June 2021. Collection method: clinical testing. Allele origin: germline. Affected: yes.
Comment: Nonsense variant predicted to result in protein truncation, as the last 783 amino acids are lost, and other loss-of-function variants have been reported downstream in HGMD; Not observed at significant frequency in large population cohorts (gnomAD); Has not been previously published as pathogenic or benign to our knowledge

NM_015021.3(ZNF292):c.5821C>T (p.Gln1941Ter)

Gene: ZNF292 (zinc finger protein 292; plus strand). Cytogenetic location: 6q14.3.
Variant type: single nucleotide variant.
Coding change: c.5821C>T on transcript NM_015021.3 (MANE Select); coding-DNA position 5821, C replaced by T.
Protein change: p.Gln1941Ter; replaces glutamine 1941 with a stop codon.
Molecular consequence: nonsense.
Genome position (GRCh38, 1-based): chr6:87,259,450, C>T. VCF-style: chr6-87259450-C-T. GRCh37 (hg19) VCF-style: chr6-87969168-C-T.
Other names: c.5401C>T, p.Gln1801Ter (NM_001351444.2); short protein forms Q1801*, Q1941*.
Identifiers: ClinVar variation 4071839 (VCV004071839.1).